The following is an entry in ClinVar:

ClinVar aggregate classification (germline): Pathogenic (1 of 4 stars; one submission).

Conditions:
Very long chain acyl-CoA dehydrogenase deficiency (ACADVLD). Also called: Very Long-Chain Acyl-Coenzyme A Dehydrogenase Deficiency; VLCAD Deficiency. Identifiers: Orphanet 26793, MedGen C3887523, MONDO:0008723, OMIM 201475.

Submission:

Myriad Genetics, Inc.
Classification: Pathogenic for Very long chain acyl-CoA dehydrogenase deficiency. Last evaluated: 2026-04-02. Review status: criteria provided, single submitter. Criteria: Myriad Autosomal Dominant, Autosomal Recessive and X-Linked Classification Criteria (2023). Collection method: clinical testing. Allele origin: unknown.
Comment: NM_000018.3(ACADVL):c.333_342del10(F112Kfs*2) is a frameshift variant classified as pathogenic in the context of very-long-chain acyl-CoA dehydrogenase deficiency. F112Kfs*2 has not been observed in cases with relevant disease. Relevant functional assessments of this variant are not available in the literature. F112Kfs*2 has not been observed in referenced population frequency databases. In summary, NM_000018.3(ACADVL):c.333_342del10(F112Kfs*2) is a frameshift variant in a gene where loss of function is a known mechanism of disease and is predicted to disrupt protein function. Please note: this variant was assessed in the context of healthy population screening.

NM_000018.4(ACADVL):c.333_342del (p.Phe112fs)

Gene: ACADVL (acyl-CoA dehydrogenase very long chain; plus strand). Cytogenetic location: 17p13.1.
Variant type: Deletion.
Coding change: c.333_342del on transcript NM_000018.4 (MANE Select); coding-DNA positions 333 to 342, 10 bases deleted (TTTCTTCGAG; older notation c.333_342delTTTCTTCGAG).
Protein change: p.Phe112fs; shifts the reading frame from phenylalanine 112.
Molecular consequence: frameshift variant.
Genome position (GRCh38, 1-based): chr17:7,220,821-7,220,830, TTTCTTCGAG deleted; deleting any 10 consecutive bases within chr17:7,220,820-7,220,830 gives the same sequence; the c. name uses the placement nearest the transcript's 3' end. VCF-style (leftmost placement, unchanged base first): chr17-7220819-CGTTTCTTCGA-C. GRCh37 (hg19) VCF-style: chr17-7124138-CGTTTCTTCGA-C.
Other names: c.267_276del, p.Phe90fs (NM_001033859.3); c.402_411del, p.Phe135fs (NM_001270447.2); c.105_114del, p.Phe36fs (NM_001270448.2); short protein forms F112fs, F135fs, F36fs, F90fs.
Identifiers: ClinVar variation 5004577 (VCV005004577.1).